The following is an entry in ClinVar:

NM_031844.3(HNRNPU):c.614A>G (p.Gln205Arg)

Gene: HNRNPU (heterogeneous nuclear ribonucleoprotein U; minus strand). Cytogenetic location: 1q44.
Variant type: single nucleotide variant.
Coding change: c.614A>G on transcript NM_031844.3 (MANE Select); coding-DNA position 614, A replaced by G.
Protein change: p.Gln205Arg; replaces glutamine 205 with arginine.
Molecular consequence: missense variant.
Genome position (GRCh38, 1-based): chr1:244,863,694, T>C on the plus strand (A>G on the coding strand, the complement: HNRNPU is on the minus strand). VCF-style: chr1-244863694-T-C. GRCh37 (hg19) VCF-style: chr1-245026996-T-C.
Other names: c.614A>G, p.Gln205Arg (NM_004501.3); short protein forms Q205R.
Identifiers: ClinVar variation 532554 (VCV000532554.10), dbSNP rs1553283825, ClinGen allele CA345496333.
Genomic context (GRCh38, chr1:244,863,694, plus strand): 5'-GGGCGACCGCCGCCTCCGCCGCCTTCCGCCTTCTTCTTACCTCCCGCCTGCTGCTGGCCC[T>C]GCCTCGCCCCGGGCGGCGCCACCGTCACCGCGAACAGCGAGGTGGGGCCGCTGCTCTTCC-3'
Protein context (NP_114032.2, residues 195-215): AVTVAPPGAR[Gln205Arg]GQQQAGGKKK

ClinVar aggregate classification (germline): Uncertain significance. Review status: criteria provided, multiple submitters, no conflicts (2 of 4 stars). 2 submissions from 2 submitters: Uncertain significance (2). Last evaluated 2022-11-24.

Conditions:
Developmental and epileptic encephalopathy, 54. Also called: HNRNPU-Related Neurodevelopmental Disorder; Epileptic encephalopathy, early infantile, 54. Identifiers: MedGen C4479319, MONDO:0033363, OMIM 617391.

Submissions (2):

Blueprint Genetics
Classification: Uncertain significance. Last evaluated: 2022-11-24. Review status: criteria provided, single submitter. Criteria: ACMG Guidelines, 2015. Collection method: clinical testing. Allele origin: germline.

Labcorp Genetics (formerly Invitae), Labcorp
Classification: Uncertain significance for Developmental and epileptic encephalopathy, 54. Last evaluated: 2017-08-30. Review status: criteria provided, single submitter. Criteria: Invitae Variant Classification Sherloc (09022015). Collection method: clinical testing. Allele origin: germline.
Comment: This variant is not present in population databases (ExAC no frequency). In summary, the available evidence is currently insufficient to determine the role of this variant in disease. Therefore, it has been classified as a Variant of Uncertain Significance. Algorithms developed to predict the effect of missense changes on protein structure and function do not agree on the potential impact of this missense change (SIFT: "Tolerated"; PolyPhen-2: "Benign"; Align-GVGD: "Class C0"). This variant has not been reported in the literature in individuals with HNRNPU-related disease. This sequence change replaces glutamine with arginine at codon 205 of the HNRNPU protein (p.Gln205Arg). The glutamine residue is weakly conserved and there is a small physicochemical difference between glutamine and arginine.